The following is an entry in ClinVar:

ClinVar aggregate classification (germline): Uncertain significance. Review status: criteria provided, multiple submitters, no conflicts (2 of 4 stars). 4 submissions from 4 submitters: Uncertain significance (4). Last evaluated 2025-12-23.

Conditions:
Cardiovascular phenotype. Identifiers: MedGen CN230736.
Dilated cardiomyopathy 1W (CMD1W). Identifiers: Orphanet 154, MedGen C1969639, MONDO:0012667, OMIM 611407.

Allele frequency attached by ClinVar (database versions not stated): TOPMed 0.00001; gnomAD 0.00002 and 0.00003.
gnomAD v4.1: 11 of 1,614,044 alleles (0.00068%); highest among the groups gnomAD compares: African/African-American, 0.004%; no homozygotes.

Submissions (4):

Labcorp Genetics (formerly Invitae), Labcorp
Classification: Uncertain significance for Dilated cardiomyopathy 1W. Last evaluated: 2025-12-23. Review status: criteria provided, single submitter. Criteria: Invitae Variant Classification Sherloc (09022015). Collection method: clinical testing. Allele origin: germline.
Comment: This sequence change replaces lysine, which is basic and polar, with asparagine, which is neutral and polar, at codon 639 of the VCL protein (p.Lys639Asn). This variant is present in population databases (no rsID available, gnomAD 0.01%). This variant has not been reported in the literature in individuals affected with VCL-related conditions. ClinVar contains an entry for this variant (Variation ID: 468813). An algorithm developed to predict the effect of missense changes on protein structure and function (PolyPhen-2) suggests that this variant is likely to be tolerated. In summary, the available evidence is currently insufficient to determine the role of this variant in disease. Therefore, it has been classified as a Variant of Uncertain Significance.

GeneDx
Classification: Uncertain significance. Last evaluated: 2024-07-23. Review status: criteria provided, single submitter. Criteria: GeneDx Variant Classification Process June 2021. Collection method: clinical testing. Allele origin: germline. Affected: yes.
Comment: Identified in a patient with LVNC and complete heart block who also harbors two variants in the MYH7 gene; this patient's two sisters also had hypertrabeculation on echocardiogram but did not undergo genetic testing (Mokhtar et al., 2017); Not observed at significant frequency in large population cohorts (gnomAD); In silico analysis indicates that this missense variant does not alter protein structure/function

Ambry Genetics
Classification: Uncertain significance for Cardiovascular phenotype. Last evaluated: 2021-10-18. Review status: criteria provided, single submitter. Criteria: Ambry Variant Classification Scheme 2023. Collection method: clinical testing. Allele origin: germline.
Comment: The p.K639N variant (also known as c.1917G>T), located in coding exon 14 of the VCL gene, results from a G to T substitution at nucleotide position 1917. The lysine at codon 639 is replaced by asparagine, an amino acid with similar properties.This alteration has been reported in a hypertrophic cardiomyopathy (HCM) cohort; however, clinical details were limited (Lopes LR et al. Heart, 2015 Feb;101:294-301). This amino acid position is poorly conserved in available vertebrate species. In addition, this alteration is predicted to be tolerated by in silico analysis. Since supporting evidence is limited at this time, the clinical significance of this alteration remains unclear.

Blueprint Genetics
Classification: Uncertain significance. Last evaluated: 2020-10-07. Review status: criteria provided, single submitter. Criteria: ACMG Guidelines, 2015. Collection method: clinical testing. Allele origin: germline.

Literature cited by the submitters: PubMed 25351510 (cited by Ambry Genetics).

NM_014000.3(VCL):c.1917G>T (p.Lys639Asn)

Gene: VCL (vinculin; plus strand). Cytogenetic location: 10q22.2.
Variant type: single nucleotide variant.
Coding change: c.1917G>T on transcript NM_014000.3 (MANE Select); coding-DNA position 1917, G replaced by T.
Protein change: p.Lys639Asn; replaces lysine 639 with asparagine.
Molecular consequence: missense variant.
Genome position (GRCh38, 1-based): chr10:74,100,992, G>T. VCF-style: chr10-74100992-G-T. GRCh37 (hg19) VCF-style: chr10-75860750-G-T.
Other names: c.1917G>T, p.Lys639Asn (NM_003373.4); short protein forms K639N.
Identifiers: ClinVar variation 468813 (VCV000468813.14), dbSNP rs915381122, ClinGen allele CA209706156.